The following is an entry in ClinVar:

ClinVar aggregate classification (germline): Likely benign. Review status: criteria provided, multiple submitters, no conflicts (2 of 4 stars). 2 submissions from 2 submitters: Likely benign (2). Last evaluated 2026-02-01.

Conditions:
FMN2-related disorder. Also called: FMN2-related condition.

Allele frequency attached by ClinVar (database versions not stated): gnomAD 0.00009; gnomAD exomes 0.00009; TOPMed 0.00020; ExAC 0.00032.
gnomAD v4.1: 138 of 1,614,008 alleles (0.0086%); highest among the groups gnomAD compares: Admixed American, 0.2%; no homozygotes.

Submissions (2):

CeGaT Center for Human Genetics Tuebingen
Classification: Likely benign. Last evaluated: 2026-02-01. Review status: criteria provided, single submitter. Criteria: CeGaT Center For Human Genetics Tuebingen Variant Classification Criteria Version 2. Collection method: clinical testing. Allele origin: germline. Affected: yes. Observed: 2 variant alleles.
Comment: FMN2: BP4, BP7

PreventionGenetics, part of Exact Sciences
Classification: Likely benign for FMN2-related condition. Last evaluated: 2023-03-28. Review status: criteria provided, single submitter. Criteria: ACMG Guidelines, 2015. Collection method: clinical testing. Allele origin: germline.
Comment: This variant is classified as likely benign based on ACMG/AMP sequence variant interpretation guidelines (Richards et al. 2015 PMID: 25741868, with internal and published modifications).

NM_020066.5(FMN2):c.2394C>T (p.Leu798=)

Gene: FMN2 (formin 2; plus strand). Cytogenetic location: 1q43.
Variant type: single nucleotide variant.
Coding change: c.2394C>T on transcript NM_020066.5 (MANE Select); coding-DNA position 2394, C replaced by T.
Protein change: p.Leu798=; no amino-acid change (leucine 798 retained).
Molecular consequence: synonymous variant. On other transcripts: intron variant (1).
Genome position (GRCh38, 1-based): chr1:240,207,206, C>T. VCF-style: chr1-240207206-C-T. GRCh37 (hg19) VCF-style: chr1-240370506-C-T.
Other names: c.2406C>T, p.Leu802= (NM_001305424.2); c.1986+18944C>T (NM_001348094.2).
Identifiers: ClinVar variation 3045005 (VCV003045005.5), dbSNP rs569497003, ClinGen allele CA1476619.